The following is an entry in ClinVar:

NM_001278116.2(L1CAM):c.2869C>A (p.Pro957Thr)

Gene: L1CAM (L1 cell adhesion molecule; minus strand). Cytogenetic location: Xq28.
Variant type: single nucleotide variant.
Coding change: c.2869C>A on transcript NM_001278116.2 (MANE Select); coding-DNA position 2869, C replaced by A.
Protein change: p.Pro957Thr; replaces proline 957 with threonine.
Molecular consequence: missense variant.
Genome position (GRCh38, 1-based): chrX:153,865,091, G>T on the plus strand (C>A on the coding strand, the complement: L1CAM is on the minus strand). VCF-style: chrX-153865091-G-T. GRCh37 (hg19) VCF-style: chrX-153130546-G-T.
Other names: c.2869C>A, p.Pro957Thr (NM_000425.5, NM_024003.3); c.2854C>A, p.Pro952Thr (NM_001143963.2); short protein forms P952T, P957T.
Identifiers: ClinVar variation 856336 (VCV000856336.7), dbSNP rs1307427270, ClinGen allele CA415114604.

ClinVar aggregate classification (germline): Uncertain significance (1 of 4 stars; one submission).

Conditions:
Spastic paraplegia. Identifiers: MedGen C0037772, HP:0001258.

Allele frequency attached by ClinVar (database versions not stated): gnomAD 0.00002; TOPMed 0.00002.
gnomAD v4.1: 2 of 1,209,992 alleles (0.00017%); highest among the groups gnomAD compares: Non-Finnish European, 0.00022%; no homozygotes.

Submission:

Labcorp Genetics (formerly Invitae), Labcorp
Classification: Uncertain significance for Spastic paraplegia. Last evaluated: 2022-06-15. Review status: criteria provided, single submitter. Criteria: Invitae Variant Classification Sherloc (09022015). Collection method: clinical testing. Allele origin: germline.
Comment: This sequence change replaces proline, which is neutral and non-polar, with threonine, which is neutral and polar, at codon 957 of the L1CAM protein (p.Pro957Thr). This variant is not present in population databases (gnomAD no frequency). This variant has not been reported in the literature in individuals affected with L1CAM-related conditions. ClinVar contains an entry for this variant (Variation ID: 856336). Advanced modeling of protein sequence and biophysical properties (such as structural, functional, and spatial information, amino acid conservation, physicochemical variation, residue mobility, and thermodynamic stability) performed at Invitae indicates that this missense variant is not expected to disrupt L1CAM protein function. In summary, the available evidence is currently insufficient to determine the role of this variant in disease. Therefore, it has been classified as a Variant of Uncertain Significance.